The following is an entry in ClinVar:

NM_001113378.2(FANCI):c.2288T>A (p.Phe763Tyr)

Gene: FANCI (FA complementation group I; plus strand). Cytogenetic location: 15q26.1.
Variant type: single nucleotide variant.
Coding change: c.2288T>A on transcript NM_001113378.2 (MANE Select); coding-DNA position 2288, T replaced by A.
Protein change: p.Phe763Tyr; replaces phenylalanine 763 with tyrosine.
Molecular consequence: missense variant.
Genome position (GRCh38, 1-based): chr15:89,293,060, T>A. VCF-style: chr15-89293060-T-A. GRCh37 (hg19) VCF-style: chr15-89836291-T-A.
Other names: c.2288T>A, p.Phe763Tyr (NM_018193.3, NM_001376911.1); c.2009T>A, p.Phe670Tyr (NM_001376910.1); short protein forms F670Y, F763Y.
Identifiers: ClinVar variation 2047758 (VCV002047758.4), dbSNP rs2507402536, ClinGen allele CA393749571.

ClinVar aggregate classification (germline): Uncertain significance (1 of 4 stars; one submission).

Conditions:
Fanconi anemia (FA). Also called: Fanconi's anemia. Identifiers: Orphanet 84, MedGen C0015625, MeSH D005199, MONDO:0019391.

Allele frequency attached by ClinVar (database versions not stated): gnomAD exomes below 0.00001.
gnomAD v4.1: 1 of 1,613,302 alleles (0.000062%); highest among the groups gnomAD compares: Non-Finnish European, 0.000085%; no homozygotes.

Submission:

Labcorp Genetics (formerly Invitae), Labcorp
Classification: Uncertain significance for Fanconi anemia. Last evaluated: 2022-04-28. Review status: criteria provided, single submitter. Criteria: Invitae Variant Classification Sherloc (09022015). Collection method: clinical testing. Allele origin: germline.
Comment: Algorithms developed to predict the effect of missense changes on protein structure and function (SIFT, PolyPhen-2, Align-GVGD) all suggest that this variant is likely to be tolerated. In summary, the available evidence is currently insufficient to determine the role of this variant in disease. Therefore, it has been classified as a Variant of Uncertain Significance. This variant has not been reported in the literature in individuals affected with FANCI-related conditions. This variant is not present in population databases (gnomAD no frequency). This sequence change replaces phenylalanine, which is neutral and non-polar, with tyrosine, which is neutral and polar, at codon 763 of the FANCI protein (p.Phe763Tyr).